The following is an entry in ClinVar:

ClinVar aggregate classification (germline): Uncertain significance (1 of 4 stars; one submission).

Conditions:
Neuroblastoma, susceptibility to, 3. Also called: ALK-Related Neuroblastic Tumor Susceptibility. Identifiers: Orphanet 635, MedGen C2751681, MONDO:0013083, OMIM 613014.

Submission:

Labcorp Genetics (formerly Invitae), Labcorp
Classification: Uncertain significance for Neuroblastoma, susceptibility to, 3. Last evaluated: 2022-12-08. Review status: criteria provided, single submitter. Criteria: Invitae Variant Classification Sherloc (09022015). Collection method: clinical testing. Allele origin: germline.
Comment: In summary, the available evidence is currently insufficient to determine the role of this variant in disease. Therefore, it has been classified as a Variant of Uncertain Significance. Algorithms developed to predict the effect of missense changes on protein structure and function are either unavailable or do not agree on the potential impact of this missense change (SIFT: "Deleterious"; PolyPhen-2: "Probably Damaging"; Align-GVGD: "Class C15"). This variant has not been reported in the literature in individuals affected with ALK-related conditions. This variant is not present in population databases (gnomAD no frequency). This sequence change replaces tyrosine, which is neutral and polar, with phenylalanine, which is neutral and non-polar, at codon 479 of the ALK protein (p.Tyr479Phe).

NM_004304.5(ALK):c.1436A>T (p.Tyr479Phe)

Gene: ALK (ALK receptor tyrosine kinase; minus strand). Cytogenetic location: 2p23.2.
Variant type: single nucleotide variant.
Coding change: c.1436A>T on transcript NM_004304.5 (MANE Select); coding-DNA position 1436, A replaced by T.
Protein change: p.Tyr479Phe; replaces tyrosine 479 with phenylalanine.
Molecular consequence: missense variant.
Genome position (GRCh38, 1-based): chr2:29,320,861, T>A on the plus strand (A>T on the coding strand, the complement: ALK is on the minus strand). VCF-style: chr2-29320861-T-A. GRCh37 (hg19) VCF-style: chr2-29543727-T-A.
Other names: short protein forms Y479F.
Identifiers: ClinVar variation 2819512 (VCV002819512.3), dbSNP rs2465435748, ClinGen allele CA346472670.